The following is an entry in ClinVar:

NM_024426.6(WT1):c.916C>A (p.Leu306Ile)

Gene: WT1 (WT1 transcription factor; minus strand). Cytogenetic location: 11p13.
Variant type: single nucleotide variant.
Coding change: c.916C>A on transcript NM_024426.6 (MANE Select); coding-DNA position 916, C replaced by A.
Protein change: p.Leu306Ile; replaces leucine 306 with isoleucine.
Molecular consequence: missense variant. On other transcripts: non-coding transcript variant (1).
Genome position (GRCh38, 1-based): chr11:32,417,626, G>T on the plus strand (C>A on the coding strand, the complement: WT1 is on the minus strand). VCF-style: chr11-32417626-G-T. GRCh37 (hg19) VCF-style: chr11-32439172-G-T.
Other names: c.916C>A, p.Leu306Ile (NM_000378.6, NM_001407044.1, NM_001407045.1 and 4 more transcripts); c.265C>A, p.Leu89Ile (NM_001198551.2, NM_001198552.2); c.793C>A, p.Leu265Ile (NM_001407047.1, NM_001407050.1); c.154C>A, p.Leu52Ile (NM_001407051.1); c.901C>A, p.Leu301Ile (NM_024425.2); c.901C>A (NM_024426.4); short protein forms L306I, L89I, L301I, L52I, L265I.
Identifiers: ClinVar variation 1489796 (VCV001489796.8), dbSNP rs2133037398, ClinGen allele CA379962162.

ClinVar aggregate classification (germline): Uncertain significance. Review status: criteria provided, multiple submitters, no conflicts (2 of 4 stars). 2 submissions from 2 submitters: Uncertain significance (2). Last evaluated 2025-06-28.

Conditions:
Wilms tumor 1 (WT1). Also called: Wilms tumor, somatic. Identifiers: Orphanet 654, MedGen CN033288, MONDO:0008679, OMIM 194070.
11p partial monosomy syndrome (WAGR). Also called: WAGR syndrome; WAGR Complex; CHROMOSOME 11p13 DELETION SYNDROME; WAGR Spectrum Disorder. Identifiers: Orphanet 893, MedGen C0206115, MONDO:0008681, OMIM 194072.
Frasier syndrome. Identifiers: Orphanet 347, MedGen C0950122, MeSH D052159, MONDO:0007635, OMIM 136680.
Drash syndrome (DDS). Also called: WILMS TUMOR AND PSEUDO- OR TRUE HERMAPHRODITISM; NEPHROPATHY, WILMS TUMOR, AND GENITAL ANOMALIES. Identifiers: Orphanet 220, MedGen C0950121, MONDO:0008682, OMIM 194080.
Inborn genetic diseases. Identifiers: MedGen C0950123, MeSH D030342.

Submissions (2):

Ambry Genetics
Classification: Uncertain significance for Inborn genetic diseases. Last evaluated: 2025-06-28. Review status: criteria provided, single submitter. Criteria: Ambry Variant Classification Scheme 2023. Collection method: clinical testing. Allele origin: germline.
Comment: The p.L301I variant (also known as c.901C>A), located in coding exon 4 of the WT1 gene, results from a C to A substitution at nucleotide position 901. The leucine at codon 301 is replaced by isoleucine, an amino acid with highly similar properties. This amino acid position is conserved. In addition, the in silico prediction for this alteration is inconclusive. Based on the available evidence, the clinical significance of this variant remains unclear.

Labcorp Genetics (formerly Invitae), Labcorp
Classification: Uncertain significance for Wilms tumor 1; Drash syndrome; 11p partial monosomy syndrome; Frasier syndrome. Last evaluated: 2021-10-25. Review status: criteria provided, single submitter. Criteria: Invitae Variant Classification Sherloc (09022015). Collection method: clinical testing. Allele origin: germline.
Comment: In summary, the available evidence is currently insufficient to determine the role of this variant in disease. Therefore, it has been classified as a Variant of Uncertain Significance. This sequence change replaces leucine with isoleucine at codon 301 of the WT1 protein (p.Leu301Ile). The leucine residue is highly conserved and there is a small physicochemical difference between leucine and isoleucine. This variant is not present in population databases (ExAC no frequency). This variant has not been reported in the literature in individuals affected with WT1-related conditions. Algorithms developed to predict the effect of missense changes on protein structure and function are either unavailable or do not agree on the potential impact of this missense change (SIFT: "Deleterious"; PolyPhen-2: "Benign"; Align-GVGD: "Class C0").